The following is an entry in ClinVar:

NM_015466.4(PTPN23):c.3310G>A (p.Ala1104Thr)

Gene: PTPN23 (protein tyrosine phosphatase non-receptor type 23; plus strand). Cytogenetic location: 3p21.31.
Variant type: single nucleotide variant.
Coding change: c.3310G>A on transcript NM_015466.4 (MANE Select); coding-DNA position 3310, G replaced by A.
Protein change: p.Ala1104Thr; replaces alanine 1104 with threonine.
Molecular consequence: missense variant.
Genome position (GRCh38, 1-based): chr3:47,411,108, G>A. VCF-style: chr3-47411108-G-A. GRCh37 (hg19) VCF-style: chr3-47452598-G-A.
Other names: c.2932G>A, p.Ala978Thr (NM_001304482.2); c.3310G>A (NM_015466.2); short protein forms A1104T, A978T.
Identifiers: ClinVar variation 1482781 (VCV001482781.5), dbSNP rs755489344, ClinGen allele CA2366245.

ClinVar aggregate classification (germline): Uncertain significance. Review status: criteria provided, multiple submitters, no conflicts (2 of 4 stars). 2 submissions from 2 submitters: Uncertain significance (2). Last evaluated 2026-01-19.

Conditions:
Inborn genetic diseases. Identifiers: MedGen C0950123, MeSH D030342.

Allele frequency attached by ClinVar (database versions not stated): gnomAD exomes 0.00001 and 0.00003; ExAC 0.00002; gnomAD 0.00003; TOPMed 0.00003.
gnomAD v4.1: 16 of 1,604,702 alleles (0.001%); highest among the groups gnomAD compares: Admixed American, 0.019%; no homozygotes.

Submissions (2):

Labcorp Genetics (formerly Invitae), Labcorp
Classification: Uncertain significance. Last evaluated: 2026-01-19. Review status: criteria provided, single submitter. Criteria: Invitae Variant Classification Sherloc (09022015). Collection method: clinical testing. Allele origin: germline.
Comment: This sequence change replaces alanine, which is neutral and non-polar, with threonine, which is neutral and polar, at codon 1104 of the PTPN23 protein (p.Ala1104Thr). This variant is present in population databases (rs755489344, gnomAD 0.02%). This variant has not been reported in the literature in individuals affected with PTPN23-related conditions. ClinVar contains an entry for this variant (Variation ID: 1482781). An algorithm developed to predict the effect of missense changes on protein structure and function outputs the following: PolyPhen-2: "Benign". The threonine amino acid residue is found in multiple mammalian species, which suggests that this missense change does not adversely affect protein function. In summary, the available evidence is currently insufficient to determine the role of this variant in disease. Therefore, it has been classified as a Variant of Uncertain Significance.

Ambry Genetics
Classification: Uncertain significance for Inborn genetic diseases. Last evaluated: 2021-12-15. Review status: criteria provided, single submitter. Criteria: Ambry Variant Classification Scheme 2023. Collection method: clinical testing. Allele origin: germline.
Comment: The c.3310G>A (p.A1104T) alteration is located in exon 20 (coding exon 20) of the PTPN23 gene. This alteration results from a G to A substitution at nucleotide position 3310, causing the alanine (A) at amino acid position 1104 to be replaced by a threonine (T). Based on data from the Genome Aggregation Database (gnomAD) database, the PTPN23 c.3310G>A alteration was observed in <0.01% (7/222294) of total alleles studied, with a frequency of 0.02% (7/33114) in the Latino subpopulation. The p.A1104T alteration is predicted to be tolerated by in silico analysis. Based on insufficient or conflicting evidence, the clinical significance of this alteration remains unclear.